The following is an entry in ClinVar:

ClinVar aggregate classification (germline): Uncertain significance (1 of 4 stars; one submission).

Conditions:
DICER1-related tumor predisposition. Also called: DICER1-related pleuropulmonary blastoma cancer predisposition syndrome; DICER1 syndrome. Identifiers: Orphanet 284343, MedGen C3839822, MONDO:0100216.

Submission:

Labcorp Genetics (formerly Invitae), Labcorp
Classification: Uncertain significance for DICER1-related tumor predisposition. Last evaluated: 2025-07-07. Review status: criteria provided, single submitter. Criteria: Invitae Variant Classification Sherloc (09022015). Collection method: clinical testing. Allele origin: germline.
Comment: This sequence change replaces serine, which is neutral and polar, with asparagine, which is neutral and polar, at codon 1504 of the DICER1 protein (p.Ser1504Asn). This variant is not present in population databases (gnomAD no frequency). This variant has not been reported in the literature in individuals affected with DICER1-related conditions. ClinVar contains an entry for this variant (Variation ID: 1017941). Invitae Evidence Modeling of protein sequence and biophysical properties (such as structural, functional, and spatial information, amino acid conservation, physicochemical variation, residue mobility, and thermodynamic stability) indicates that this missense variant is not expected to disrupt DICER1 protein function with a negative predictive value of 95%. In summary, the available evidence is currently insufficient to determine the role of this variant in disease. Therefore, it has been classified as a Variant of Uncertain Significance.

NM_177438.3(DICER1):c.4511G>A (p.Ser1504Asn)

Gene: DICER1 (dicer 1, ribonuclease III; minus strand). Cytogenetic location: 14q32.13.
Variant type: single nucleotide variant.
Coding change: c.4511G>A on transcript NM_177438.3 (MANE Select); coding-DNA position 4511, G replaced by A.
Protein change: p.Ser1504Asn; replaces serine 1504 with asparagine.
Molecular consequence: missense variant.
Genome position (GRCh38, 1-based): chr14:95,096,409, C>T on the plus strand (G>A on the coding strand, the complement: DICER1 is on the minus strand). VCF-style: chr14-95096409-C-T. GRCh37 (hg19) VCF-style: chr14-95562746-C-T.
Other names: c.4511G>A, p.Ser1504Asn (NM_001195573.1, NM_001271282.3, NM_001291628.2 and 1 more transcripts); short protein forms S1504N.
Identifiers: ClinVar variation 1017941 (VCV001017941.10), dbSNP rs1890340528, ClinGen allele CA390868028.
Genomic context (GRCh38, chr14:95,096,409, plus strand): 5'-ACAAAGTCATCTTCTTCAACAGCTTTGCTAGGATCCAGATAGCACATTGCATCCCAAGAG[C>T]TGTAGTCAAAATCCTCAAAATCTGATGAAAATGGCATACTACCTAAGGAGGATTTTTTGG-3'
Protein context (NP_803187.1, residues 1494-1514): FSSDFEDFDY[Ser1504Asn]SWDAMCYLDP